The following is an entry in ClinVar:

NM_004586.3(RPS6KA3):c.1204G>T (p.Val402Phe)

Gene: RPS6KA3 (ribosomal protein S6 kinase A3; minus strand). Cytogenetic location: Xp22.12.
Variant type: single nucleotide variant.
Coding change: c.1204G>T on transcript NM_004586.3 (MANE Select); coding-DNA position 1204, G replaced by T.
Protein change: p.Val402Phe; replaces valine 402 with phenylalanine.
Molecular consequence: missense variant.
Genome position (GRCh38, 1-based): chrX:20,175,187, C>A on the plus strand (G>T on the coding strand, the complement: RPS6KA3 is on the minus strand). VCF-style: chrX-20175187-C-A. GRCh37 (hg19) VCF-style: chrX-20193305-C-A.
Other names: short protein forms V402F.
Identifiers: ClinVar variation 4070685 (VCV004070685.1).

ClinVar aggregate classification (germline): Uncertain significance (1 of 4 stars; one submission).

Submission:

GeneDx
Classification: Uncertain significance. Last evaluated: 2025-01-14. Review status: criteria provided, single submitter. Criteria: GeneDx Variant Classification Process June 2021. Collection method: clinical testing. Allele origin: germline. Affected: yes.
Comment: Not observed at significant frequency in large population cohorts (gnomAD); In silico analysis indicates that this missense variant does not alter protein structure/function; Has not been previously published as pathogenic or benign to our knowledge